The following is an entry in ClinVar:

ClinVar aggregate classification (germline): Uncertain significance. Review status: criteria provided, multiple submitters, no conflicts (2 of 4 stars). 2 submissions from 2 submitters: Uncertain significance (2). Last evaluated 2026-01-20.

Conditions:
Ehlers-Danlos syndrome, dermatosparaxis type. Also called: Ehlers-Danlos syndrome, type VII, autosomal recessive; EDS VIIC; Dermatosparaxis. Identifiers: Orphanet 1901, MedGen C2700425, MONDO:0009161, OMIM 225410.

Submissions (2):

Myriad Genetics, Inc.
Classification: Uncertain significance for Ehlers-Danlos syndrome, dermatosparaxis type. Last evaluated: 2026-01-20. Review status: criteria provided, single submitter. Criteria: Myriad Autosomal Dominant, Autosomal Recessive and X-Linked Classification Criteria (2023). Collection method: clinical testing. Allele origin: unknown.
Comment: NM_014244.4(ADAMTS2):c.79_80insCAC(P26dup) is an in-frame insertion classified as a variant of uncertain significance in the context of Ehlers-Danlos syndrome, ADAMTS2-related. P26dup has not been observed in cases with relevant disease. Relevant functional assessments of this variant are not available in the literature. P26dup has not been observed in referenced population frequency databases. In summary, there is insufficient evidence to classify NM_014244.4(ADAMTS2):c.79_80insCAC(P26dup) as pathogenic or benign. Please note: this variant was assessed in the context of healthy population screening.

Labcorp Genetics (formerly Invitae), Labcorp
Classification: Uncertain significance for Ehlers-Danlos syndrome, dermatosparaxis type. Last evaluated: 2021-10-24. Review status: criteria provided, single submitter. Criteria: Invitae Variant Classification Sherloc (09022015). Collection method: clinical testing. Allele origin: germline.
Comment: This variant has not been reported in the literature in individuals affected with ADAMTS2-related conditions. This variant is not present in population databases (gnomAD no frequency). This variant, c.79_80insCAC, results in the insertion of 1 amino acid(s) of the ADAMTS2 protein (p.Pro26dup), but otherwise preserves the integrity of the reading frame. Experimental studies and prediction algorithms are not available or were not evaluated, and the functional significance of this variant is currently unknown. In summary, the available evidence is currently insufficient to determine the role of this variant in disease. Therefore, it has been classified as a Variant of Uncertain Significance.

NM_014244.5(ADAMTS2):c.79_80insCAC (p.Pro26dup)

Gene: ADAMTS2 (ADAM metallopeptidase with thrombospondin type 1 motif 2; minus strand). Cytogenetic location: 5q35.3.
Variant type: Insertion.
Coding change: c.79_80insCAC on transcript NM_014244.5 (MANE Select); coding-DNA positions 79 to 80, CAC inserted.
Protein change: p.Pro26dup; duplicates proline 26.
Molecular consequence: inframe insertion.
Genome position: GRCh38 VCF-style: chr5-179345249-A-AGTG. GRCh37 (hg19) VCF-style: chr5-178772250-A-AGTG.
Other names: c.79_80insCAC, p.Pro26dup (NM_021599.4).
Identifiers: ClinVar variation 1475628 (VCV001475628.7), dbSNP rs1561778823, ClinGen allele CA2560016726.